The following is an entry in ClinVar:

ClinVar aggregate classification (germline): Conflicting classifications of pathogenicity. Review status: criteria provided, conflicting classifications (1 of 4 stars). 3 submissions from 3 submitters: Uncertain significance (2); Likely benign (1). Last evaluated 2026-03-06.

Conditions:
Spinal muscular atrophy (SMA). Identifiers: MedGen C0026847, MeSH D009134, MONDO:0001516, HP:0007269.

Submissions (3):

Women's Health and Genetics/Laboratory Corporation of America, LabCorp
Classification: Likely benign. Last evaluated: 2026-03-06. Review status: criteria provided, single submitter. Criteria: LabCorp Variant Classification Summary - May 2015. Collection method: clinical testing. Allele origin: germline.
Comment: Variant summary: SMN1 c.855_858delAGAA (p.Arg288AlafsX5) results in a premature termination codon affecting the last 7 amino acids of the SMN1 protein coding sequence, however, nonsense mediated decay is not expected to occur. The variant allele was found at a frequency of 4e-06 in 248298 control chromosomes. The available data on variant occurrences in the general population are insufficient to allow any conclusion about variant significance. c.855_858delAGAA has been observed in-trans with a deletion of SMN1 in one individual without features of Spinal Muscular Atrophy (Wirth_2026). At least one publication reports experimental evidence evaluating an impact on protein function. These results showed preserved exon 7 splicing, markedly reduced SMN protein abundance, wild-type-like protein thermostability in HeLa cells, and a full rescue of the progressive motor and survival defects in zebrafish (Wirth_2026). Furthermore, c.861_864delAAGG, resulting in the same protein change p.Arg288AlafsX5, was also reported likely in trans with a deletion of SMN1 in an individual without Spinal Muscular Atrophy (Wirth_2026). These findings suggest p.Arg288AlafsX5 has preserved function. The following publication has been ascertained in the context of this evaluation (PMID: 1256472). ClinVar contains an entry for this variant (Variation ID: 2190592). Based on the evidence outlined above, the variant was classified as likely benign.

Labcorp Genetics (formerly Invitae), Labcorp
Classification: Uncertain significance for Spinal muscular atrophy. Last evaluated: 2025-03-05. Review status: criteria provided, single submitter. Criteria: Invitae Variant Classification Sherloc (09022015). Collection method: clinical testing. Allele origin: germline.
Comment: This sequence change creates a premature translational stop signal (p.Arg288Alafs*5) in the SMN1 gene. While this is not anticipated to result in nonsense mediated decay, it is expected to disrupt the last 7 amino acid(s) of the SMN1 protein. The frequency data for this variant in the population databases (gnomAD) is considered unreliable due to the presence of homologous sequence, such as pseudogenes or paralogs, in the genome. This variant has not been reported in the literature in individuals affected with SMN1-related conditions. ClinVar contains an entry for this variant (Variation ID: 1256472). Experimental studies and prediction algorithms are not available or were not evaluated, and the functional significance of this variant is currently unknown. In summary, the available evidence is currently insufficient to determine the role of this variant in disease. Therefore, it has been classified as a Variant of Uncertain Significance.

Athena Diagnostics
Classification: Uncertain significance. Last evaluated: 2020-09-15. Review status: criteria provided, single submitter. Criteria: Athena Diagnostics criteria. Collection method: clinical testing. Allele origin: unknown.

Literature cited by the submitters: PubMed 41687605 (cited by Women's Health and Genetics/Laboratory Corporation of America, LabCorp).

NM_000344.4(SMN1):c.855_858del (p.Arg288fs)

Gene: SMN1 (survival of motor neuron 1, telomeric). Cytogenetic location: 5q13.2.
Variant type: Deletion.
Coding change: c.855_858del on transcript NM_000344.4 (MANE Select); coding-DNA positions 855 to 858, 4 bases deleted.
Protein change: p.Arg288fs; shifts the reading frame from arginine 288.
Molecular consequence: frameshift variant. On other transcripts: intron variant (1).
Genome position: GRCh38 VCF-style: chr5-70951958-AAAAG-A. GRCh37 (hg19) VCF-style: chr5-70247785-AAAAG-A.
Other names: c.759_762del, p.Arg256fs (NM_022874.2); c.835-478_835-475del (NM_001297715.1); c.855_858delAGAA (NM_000344.4); short protein forms R256fs, R288fs.
Identifiers: ClinVar variation 1256472 (VCV001256472.6), dbSNP rs1475940018, ClinGen allele CA560282551.